The following is an entry in ClinVar:

NM_000062.3(SERPING1):c.1250-154C>G

Gene: SERPING1 (serpin family G member 1; plus strand). Cytogenetic location: 11q12.1.
Variant type: single nucleotide variant.
Coding change: c.1250-154C>G on transcript NM_000062.3 (MANE Select); 154 bases into the intron before coding-DNA position 1250, C replaced by G.
Molecular consequence: intron variant.
Genome position (GRCh38, 1-based): chr11:57,614,174, C>G. VCF-style: chr11-57614174-C-G. GRCh37 (hg19) VCF-style: chr11-57381647-C-G.
Other names: c.1250-154C>G (NM_001032295.2).
Identifiers: ClinVar variation 983244 (VCV000983244.3), dbSNP rs879810971, ClinGen allele CA223024082.

ClinVar aggregate classification (germline): Benign/Likely benign. Review status: criteria provided, multiple submitters, no conflicts (2 of 4 stars). 2 submissions from 2 submitters: Benign (1); Likely benign (1).

Conditions:
Hereditary angioedema type 1 (HAE1). Identifiers: Orphanet 100050, Orphanet 100051, Orphanet 91378, MedGen C2717906, MONDO:0015053, OMIM 106100.

Allele frequency attached by ClinVar (database versions not stated): gnomAD 0.00001; TOPMed 0.00002.
gnomAD v4.1: 1 of 152,094 alleles (0.00066%); highest among the groups gnomAD compares: Non-Finnish European, 0.0015%; no homozygotes.

Submissions (2):

Breakthrough Genomics
Classification: Likely benign. Review status: criteria provided, single submitter. Criteria: ACMG Guidelines, 2015. Collection method: not provided. Allele origin: germline. Inheritance: Autosomal recessive inheritance. Affected: yes.

CeMIA
Classification: Benign for Hereditary angioedema type 1. Review status: criteria provided, single submitter. Criteria: ACMG Guidelines, 2015. Collection method: clinical testing. Allele origin: germline. Affected: yes.
Comment: This variant is considered likely benign or benign based on one or more of the following criteria: allele frequency is >5% in Exome Sequencing Project, 1000 Genomes Project, or Exome Aggregation Consortium (BA1), allele frequency is greater than expected for disorder (BS1), it is observed in a healthy adult individual (BS2), it is predicted to be benign by multiple in silico algorithms (BP4), it is found in a case with an alternate molecular basis for the disease (BP5) and/or reputable source recently reports variant as benign (BP6).

Literature cited by the submitters: PubMed 31959500 (cited by CeMIA).